The following is an entry in ClinVar:

ClinVar aggregate classification (germline): Uncertain significance (1 of 4 stars; one submission).

Conditions:
Hereditary breast ovarian cancer syndrome. Also called: Hereditary breast and ovarian cancer syndrome (HBOC); Breast and ovarian cancer; Hereditary breast and ovarian cancer; Hereditary breast and ovarian cancer syndrome; BRCA1- and BRCA2-Associated Hereditary Breast and Ovarian Cancer; Hereditary breast and/or ovarian cancer syndrome. Identifiers: Orphanet 145, MedGen C0677776, MeSH D061325, MONDO:0003582. Disease mechanism: loss of function.

Submission:

Labcorp Genetics (formerly Invitae), Labcorp
Classification: Uncertain significance for Hereditary breast ovarian cancer syndrome. Last evaluated: 2023-11-10. Review status: criteria provided, single submitter. Criteria: Invitae Variant Classification Sherloc (09022015). Collection method: clinical testing. Allele origin: germline.
Comment: This sequence change replaces alanine, which is neutral and non-polar, with phenylalanine, which is neutral and non-polar, at codon 39 of the BRCA2 protein (p.Ala39Phe). Information on the frequency of this variant in the gnomAD database is not available, as this variant may be reported differently in the database. This variant has not been reported in the literature in individuals affected with BRCA2-related conditions. An algorithm developed to predict the effect of missense changes on protein structure and function (PolyPhen-2) suggests that this variant is likely to be disruptive. In summary, the available evidence is currently insufficient to determine the role of this variant in disease. Therefore, it has been classified as a Variant of Uncertain Significance.

NM_000059.4(BRCA2):c.115_116delinsTT (p.Ala39Phe)

Gene: BRCA2 (BRCA2 DNA repair associated; plus strand). Cytogenetic location: 13q13.1.
Variant type: Indel.
Coding change: c.115_116delinsTT on transcript NM_000059.4 (MANE Select); coding-DNA positions 115 to 116, GC replaced by TT.
Protein change: p.Ala39Phe; replaces alanine 39 with phenylalanine.
Molecular consequence: missense variant. On other transcripts: 5 prime UTR variant (1), non-coding transcript variant (1).
Genome position (GRCh38, 1-based): chr13:32,319,124-32,319,125, GC replaced by TT. VCF-style: chr13-32319124-GC-TT. GRCh37 (hg19) VCF-style: chr13-32893261-GC-TT.
Other names: c.115_116delinsTT, p.Ala39Phe (NM_001406719.1, NM_001406720.1, NM_001406721.1); c.-255_-254delinsTT (NM_001406722.1); short protein forms A39F.
Identifiers: ClinVar variation 2694639 (VCV002694639.3), dbSNP rs2548511177, ClinGen allele CA2697551714.